The following is an entry in ClinVar:

ClinVar aggregate classification (germline): Benign/Likely benign. Review status: criteria provided, multiple submitters, no conflicts (2 of 4 stars). 4 submissions from 4 submitters: Benign (3); Likely benign (1). Last evaluated 2025-10-23.

Submissions (4):

Labcorp Genetics (formerly Invitae), Labcorp
Classification: Benign. Last evaluated: 2025-10-23. Review status: criteria provided, single submitter. Criteria: Invitae Variant Classification Sherloc (09022015). Collection method: clinical testing. Allele origin: germline.

Blueprint Genetics
Classification: Likely benign. Last evaluated: 2024-11-20. Review status: criteria provided, single submitter. Criteria: ACMG Guidelines, 2015. Collection method: clinical testing. Allele origin: germline.

ARUP Laboratories, Molecular Genetics and Genomics, ARUP Laboratories
Classification: Benign. Last evaluated: 2023-10-16. Review status: criteria provided, single submitter. Criteria: ARUP Molecular Germline Variant Investigation Process 2024. Collection method: clinical testing. Allele origin: germline.

Mayo Clinic Laboratories, Mayo Clinic
Classification: Benign. Last evaluated: 2022-11-01. Review status: criteria provided, single submitter. Criteria: ACMG Guidelines, 2015. Collection method: clinical testing. Allele origin: germline. Observed: 4 variant alleles.
Comment: BS2, BP4, BP7

NM_001355436.2(SPTB):c.6270-8_6270-6dup

Gene: SPTB (spectrin beta, erythrocytic; minus strand). Cytogenetic location: 14q23.3.
Variant type: Duplication.
Coding change: c.6270-8_6270-6dup on transcript NM_001355436.2 (MANE Select); 8 bases into the intron before coding-DNA position 6270 through 6 bases into the intron before coding-DNA position 6270, 3 bases duplicated (TTC; older notation c.6270-8_6270-6dupTTC).
Molecular consequence: intron variant.
Genome position (GRCh38, 1-based): chr14:64,766,807-64,766,809, GAA duplicated on the plus strand (TTC on the coding strand, the reverse complement: SPTB is on the minus strand); duplicating any 3 consecutive bases within chr14:64,766,807-64,766,811 gives the same sequence; the c. name uses the placement nearest the transcript's 3' end. VCF-style (leftmost placement, unchanged base first): chr14-64766806-G-GGAA. GRCh37 (hg19) VCF-style: chr14-65233524-G-GGAA.
Other names: NM_000347.5:c.6270-8_6270-6dupTTC; p.?; c.6270-8_6270-6dup (NM_001024858.4, NM_001355437.2).
Identifiers: ClinVar variation 313700 (VCV000313700.13), dbSNP rs528966701, ClinGen allele CA7229689.